The following is an entry in ClinVar:

ClinVar aggregate classification (germline): Uncertain significance (1 of 4 stars; one submission).

Conditions:
Cardiovascular phenotype. Identifiers: MedGen CN230736.

Submission:

Ambry Genetics
Classification: Uncertain significance for Cardiovascular phenotype. Last evaluated: 2023-12-01. Review status: criteria provided, single submitter. Criteria: Ambry Variant Classification Scheme 2023. Collection method: clinical testing. Allele origin: germline.
Comment: The p.A2853S variant (also known as c.8557G>T), located in coding exon 58 of the RYR2 gene, results from a G to T substitution at nucleotide position 8557. The alanine at codon 2853 is replaced by serine, an amino acid with similar properties. This amino acid position is highly conserved in available vertebrate species. In addition, the in silico prediction for this alteration is inconclusive. Since supporting evidence is limited at this time, the clinical significance of this alteration remains unclear.

NM_001035.3(RYR2):c.8557G>T (p.Ala2853Ser)

Gene: RYR2 (ryanodine receptor 2; plus strand). Cytogenetic location: 1q43.
Variant type: single nucleotide variant.
Coding change: c.8557G>T on transcript NM_001035.3 (MANE Select); coding-DNA position 8557, G replaced by T.
Protein change: p.Ala2853Ser; replaces alanine 2853 with serine.
Molecular consequence: missense variant.
Genome position (GRCh38, 1-based): chr1:237,667,925, G>T. VCF-style: chr1-237667925-G-T. GRCh37 (hg19) VCF-style: chr1-237831225-G-T.
Other names: short protein forms A2853S.
Identifiers: ClinVar variation 3232414 (VCV003232414.1), dbSNP rs1684466539, ClinGen allele CA345402529.